The following is an entry in ClinVar:

NM_152564.5(VPS13B):c.9228A>G (p.Gln3076=)

Gene: VPS13B (vacuolar protein sorting 13 homolog B; plus strand). Cytogenetic location: 8q22.2.
Variant type: single nucleotide variant.
Coding change: c.9228A>G on transcript NM_152564.5 (MANE Select); coding-DNA position 9228, A replaced by G.
Protein change: p.Gln3076=; no amino-acid change (glutamine 3076 retained).
Molecular consequence: synonymous variant.
Genome position (GRCh38, 1-based): chr8:99,823,876, A>G. VCF-style: chr8-99823876-A-G. GRCh37 (hg19) VCF-style: chr8-100836104-A-G.
Other names: c.9303A>G, p.Gln3101= (NM_017890.5).
Identifiers: ClinVar variation 3357587 (VCV003357587.1).

ClinVar aggregate classification (germline): Likely benign (0 of 4 stars; one submission).

Conditions:
VPS13B-related disorder. Also called: VPS13B-related condition.

gnomAD v4.1: 4 of 1,613,662 alleles (0.00025%); highest among the groups gnomAD compares: Non-Finnish European, 0.00034%; no homozygotes.

Submission:

PreventionGenetics, part of Exact Sciences
Classification: Likely benign for VPS13B-related condition. Last evaluated: 2024-06-24. Review status: no assertion criteria provided. Collection method: clinical testing. Allele origin: germline.
Comment: This variant is classified as likely benign based on ACMG/AMP sequence variant interpretation guidelines (Richards et al. 2015 PMID: 25741868, with internal and published modifications).